The following is an entry in ClinVar:

NM_001018115.3(FANCD2):c.2141C>T (p.Pro714Leu)

Genes: FANCD2 (FA complementation group D2; plus strand), LOC107303338 (3p25 FANCD2 Alu-mediated recombination region; plus strand). Cytogenetic location: 3p25.3.
Variant type: single nucleotide variant.
Coding change: c.2141C>T on transcript NM_001018115.3 (MANE Select); coding-DNA position 2141, C replaced by T.
Protein change: p.Pro714Leu; replaces proline 714 with leucine.
Molecular consequence: missense variant.
Genome position (GRCh38, 1-based): chr3:10,064,848, C>T. VCF-style: chr3-10064848-C-T. GRCh37 (hg19) VCF-style: chr3-10106532-C-T.
Other names: NP_001018125.1:p.Pro714Leu; c.2141C>T, p.Pro714Leu (NM_001319984.2, NM_001374254.1, NM_033084.6); c.2030C>T, p.Pro677Leu (NM_001374253.1); short protein forms P714L, P677L.
Identifiers: ClinVar variation 134315 (VCV000134315.34), dbSNP rs3864017, ClinGen allele CA159448.

ClinVar aggregate classification (germline): Benign/Likely benign. Review status: criteria provided, multiple submitters, no conflicts (2 of 4 stars). 16 submissions from 16 submitters: Benign (12); Likely benign (3). 1 of the submissions does not count toward it. Last evaluated 2026-02-04.

Conditions:
Hereditary breast ovarian cancer syndrome. Also called: Hereditary breast and/or ovarian cancer syndrome; Hereditary breast and ovarian cancer syndrome; Hereditary breast and ovarian cancer syndrome (HBOC); Hereditary breast and ovarian cancer; Breast and ovarian cancer; BRCA1- and BRCA2-Associated Hereditary Breast and Ovarian Cancer. Identifiers: Orphanet 145, MedGen C0677776, MeSH D061325, MONDO:0003582. Disease mechanism: loss of function.
Fanconi anemia (FA). Also called: Fanconi's anemia. Identifiers: Orphanet 84, MedGen C0015625, MeSH D005199, MONDO:0019391.
Fanconi anemia complementation group D2. Also called: FANCD2-Related Fanconi Anemia; FANCONI PANCYTOPENIA, TYPE 4; FANCONI ANEMIA, COMPLEMENTATION GROUP D. Identifiers: Orphanet 84, MedGen C3160738, MONDO:0009214, OMIM 227646.
Fanconi anemia complementation group A (FANCA). Also called: Fanconi anemia, group A; FANCA-Related Fanconi Anemia. Identifiers: Orphanet 84, MedGen C3469521, MONDO:0009215, OMIM 227650.

Allele frequency attached by ClinVar (database versions not stated): gnomAD exomes 0.14190 and 0.14460; ExAC 0.15449; 1000 Genomes Project 30x 0.17364; gnomAD 0.18785 and 0.19295.
gnomAD v4.1: 228,700 of 1,536,518 alleles (15%); highest among the groups gnomAD compares: African/African-American, 28%; 14,248 homozygotes.

Submissions (16):

Labcorp Genetics (formerly Invitae), Labcorp
Classification: Benign for Fanconi anemia. Last evaluated: 2026-02-04. Review status: criteria provided, single submitter. Criteria: Invitae Variant Classification Sherloc (09022015). Collection method: clinical testing. Allele origin: germline.

Mayo Clinic Laboratories, Mayo Clinic
Classification: Benign. Last evaluated: 2025-09-16. Review status: criteria provided, single submitter. Criteria: ACMG Guidelines, 2015. Collection method: clinical testing. Allele origin: germline. Observed: 22 variant alleles.
Comment: BA1, BP4_moderate

ARUP Laboratories, Molecular Genetics and Genomics, ARUP Laboratories
Classification: Benign for Fanconi anemia complementation group D2. Last evaluated: 2025-07-18. Review status: criteria provided, single submitter. Criteria: ARUP Molecular Germline Variant Investigation Process 2024. Collection method: clinical testing. Allele origin: germline.

Blueprint Genetics
Classification: Likely benign. Last evaluated: 2024-11-26. Review status: criteria provided, single submitter. Criteria: ACMG Guidelines, 2015. Collection method: clinical testing. Allele origin: germline.

KCCC/NGS Laboratory, Kuwait Cancer Control Center
Classification: Benign for Fanconi anemia complementation group D2. Last evaluated: 2023-07-07. Review status: criteria provided, single submitter. Criteria: ACMG Guidelines, 2015. Collection method: clinical testing. Allele origin: germline. Affected: yes.

National Health Laboratory Service, Universitas Academic Hospital and University of the Free State
Classification: Benign for Hereditary breast ovarian cancer syndrome. Last evaluated: 2022-04-19. Review status: criteria provided, single submitter. Criteria: ACMG Guidelines, 2015. Collection method: clinical testing. Allele origin: germline. Affected: yes. Observed: 128 variant alleles.

Women's Health and Genetics/Laboratory Corporation of America, LabCorp
Classification: Likely benign. Last evaluated: 2021-12-03. Review status: criteria provided, single submitter. Criteria: LabCorp Variant Classification Summary - May 2015. Collection method: clinical testing. Allele origin: germline.

Genome-Nilou Lab
Classification: Benign for Fanconi anemia complementation group D2. Last evaluated: 2021-08-10. Review status: criteria provided, single submitter. Criteria: ACMG Guidelines, 2015. Collection method: clinical testing. Allele origin: germline. Affected: no.

Genetic Services Laboratory, University of Chicago
Classification: Benign. Last evaluated: 2020-06-12. Review status: criteria provided, single submitter. Criteria: ACMG Guidelines, 2015. Collection method: clinical testing. Allele origin: germline. Affected: no.

Sema4
Classification: Benign for Fanconi anemia. Last evaluated: 2019-12-09. Review status: criteria provided, single submitter. Criteria: Sema4 Curation Guidelines. Collection method: curation. Allele origin: germline.

Mendelics
Classification: Benign for Fanconi anemia complementation group A. Last evaluated: 2019-05-28. Review status: criteria provided, single submitter. Criteria: Mendelics Assertion Criteria 2017. Collection method: clinical testing. Allele origin: unknown.

GeneDx
Classification: Benign. Last evaluated: 2019-03-01. Review status: criteria provided, single submitter. Criteria: GeneDx Variant Classification Process June 2021. Collection method: clinical testing. Allele origin: germline. Affected: yes.
Comment: This variant is associated with the following publications: (PMID: 30250602)

Illumina Laboratory Services, Illumina
Classification: Benign for Fanconi anemia complementation group D2. Last evaluated: 2018-01-12. Review status: criteria provided, single submitter. Criteria: ICSL Variant Classification Criteria 13 December 2019. Collection method: clinical testing. Allele origin: germline.
Comment: This variant was observed in the ICSL laboratory as part of a predisposition screen in an ostensibly healthy population. It had not been previously curated by ICSL or reported in the Human Gene Mutation Database (HGMD: prior to June 1st, 2018), and was therefore a candidate for classification through an automated scoring system. Utilizing variant allele frequency, disease prevalence and penetrance estimates, and inheritance mode, an automated score was calculated to assess if this variant is too frequent to cause the disease. Based on the score and internal cut-off values, a variant classified as benign is not then subjected to further curation. The score for this variant resulted in a classification of benign for this disease.

Breakthrough Genomics
Classification: Likely benign. Review status: criteria provided, single submitter. Criteria: ACMG Guidelines, 2015. Collection method: not provided. Allele origin: germline. Inheritance: Autosomal recessive inheritance. Affected: yes.

PreventionGenetics, part of Exact Sciences
Classification: Benign. Review status: criteria provided, single submitter. Criteria: ACMG Guidelines, 2015. Collection method: clinical testing. Allele origin: germline.

ITMI
No classification provided. Condition: AllHighlyPenetrant. Last evaluated: 2013-09-19. Review status: no classification provided. Collection method: reference population. Allele origin: germline. Not counted in ClinVar's aggregate classification.
Comment: Please see associated publication for description of ethnicities

Literature cited by the submitters: PubMed 24728327 (cited by ITMI).